The following is an entry in ClinVar:

ClinVar aggregate classification (germline): Uncertain significance. Review status: criteria provided, multiple submitters, no conflicts (2 of 4 stars). 4 submissions from 3 submitters: Uncertain significance (2). 2 of the submissions do not count toward it. Last evaluated 2026-01-31.

Conditions:
Septo-optic dysplasia sequence (SOD). Also called: Septo-optic dysplasia; DE MORSIER SYNDROME. Identifiers: Orphanet 3157, MedGen C0338503, MONDO:0008428, OMIM 182230, HP:0100842.
GROWTH HORMONE DEFICIENCY WITH PITUITARY ANOMALIES. Identifiers: MedGen C2750027, OMIM 182230.
Pituitary hormone deficiency, combined, 1 (CPHD1). Also called: Pituitary hormone deficiency, combined or isolated, 1. Identifiers: MedGen C2751608, MONDO:0024464, OMIM 613038.

Allele frequency attached by ClinVar (database versions not stated): gnomAD 0.00001; gnomAD exomes 0.00008 and 0.00019; TOPMed 0.00008; ExAC 0.00019.
gnomAD v4.1: 52 of 1,613,994 alleles (0.0032%); highest among the groups gnomAD compares: Admixed American, 0.083%; 1 homozygote.

Submissions (4):

Labcorp Genetics (formerly Invitae), Labcorp
Classification: Uncertain significance for GROWTH HORMONE DEFICIENCY WITH PITUITARY ANOMALIES; Septo-optic dysplasia sequence. Last evaluated: 2026-01-31. Review status: criteria provided, single submitter. Criteria: Invitae Variant Classification Sherloc (09022015). Collection method: clinical testing. Allele origin: germline.
Comment: This sequence change replaces tryptophan, which is neutral and slightly polar, with glycine, which is neutral and non-polar, at codon 105 of the HESX1 protein (p.Trp105Gly). This variant is present in population databases (rs754137696, gnomAD 0.1%), including at least one homozygous and/or hemizygous individual. This variant has not been reported in the literature in individuals affected with HESX1-related conditions. ClinVar contains an entry for this variant (Variation ID: 492850). An algorithm developed to predict the effect of missense changes on protein structure and function (PolyPhen-2) suggests that this variant is likely to be disruptive. In summary, the available evidence is currently insufficient to determine the role of this variant in disease. Therefore, it has been classified as a Variant of Uncertain Significance.

Mendelics
Classification: Uncertain significance. Last evaluated: 2022-05-04. Review status: criteria provided, single submitter. Criteria: Mendelics Assertion Criteria 2019. Collection method: clinical testing. Allele origin: germline.

Clinical Molecular Genetics Laboratory, Johns Hopkins All Children's Hospital
Classification: Pathogenic for Septo-optic dysplasia sequence. Last evaluated: 2008-06-03. Review status: no assertion criteria provided. Collection method: clinical testing. Allele origin: germline. Affected: yes. Not counted in ClinVar's aggregate classification.

Clinical Molecular Genetics Laboratory, Johns Hopkins All Children's Hospital
Classification: Pathogenic for Pituitary hormone deficiency, combined, 1. Last evaluated: 2008-06-03. Review status: no assertion criteria provided. Collection method: clinical testing. Allele origin: germline. Affected: yes. Not counted in ClinVar's aggregate classification.

NM_003865.3(HESX1):c.313T>G (p.Trp105Gly)

Gene: HESX1 (HESX homeobox 1; minus strand). Cytogenetic location: 3p14.3.
Variant type: single nucleotide variant.
Coding change: c.313T>G on transcript NM_003865.3 (MANE Select); coding-DNA position 313, T replaced by G.
Protein change: p.Trp105Gly; replaces tryptophan 105 with glycine.
Molecular consequence: missense variant.
Genome position (GRCh38, 1-based): chr3:57,198,797, A>C on the plus strand (T>G on the coding strand, the complement: HESX1 is on the minus strand). VCF-style: chr3-57198797-A-C. GRCh37 (hg19) VCF-style: chr3-57232825-A-C.
Other names: short protein forms W105G.
Identifiers: ClinVar variation 492850 (VCV000492850.7), dbSNP rs754137696, ClinGen allele CA2463285.
Genomic context (GRCh38, chr3:57,198,797, plus strand): 5'-TGAAAAAACTTCCCACCTGGTTTTGAGTAAAAGCAGTTCTTGGTCTTCGGCCTCTATACC[A>C]ACTCAACTCTCTTTTCAAAGACAGTCTTTCTGAGGCTGAAAAGTAATTTTCATATTTCGA-3'
Protein context (NP_003856.1, residues 95-115): ERLSLKRELS[Trp105Gly]YRGRRPRTAF